The following is an entry in ClinVar:

ClinVar aggregate classification (germline): Pathogenic/Likely pathogenic. Review status: criteria provided, multiple submitters, no conflicts (2 of 4 stars). 6 submissions from 6 submitters: Pathogenic (3); Likely pathogenic (3). Last evaluated 2025-12-31.

Conditions:
Joubert syndrome. Also called: JOUBERT-BOLTSHAUSER SYNDROME; Familial aplasia of the vermis. Identifiers: Orphanet 475, MedGen C5979921, MONDO:0018772.
AHI1-related disorder. Also called: AHI1-related condition.
Joubert syndrome 3 (JBTS3). Also called: AHI1-related Ciliopathy. Identifiers: Orphanet 220493, MedGen C1837713, MONDO:0012078, OMIM 608629.

Allele frequency attached by ClinVar (database versions not stated): ExAC 0.00002; gnomAD exomes 0.00001 and 0.00002.
gnomAD v4.1: 12 of 1,613,926 alleles (0.00074%); highest among the groups gnomAD compares: South Asian, 0.013%; no homozygotes.

Submissions (6):

Labcorp Genetics (formerly Invitae), Labcorp
Classification: Pathogenic for Joubert syndrome. Last evaluated: 2025-12-31. Review status: criteria provided, single submitter. Criteria: Invitae Variant Classification Sherloc (09022015). Collection method: clinical testing. Allele origin: germline.
Comment: This sequence change creates a premature translational stop signal (p.Gln105*) in the AHI1 gene. It is expected to result in an absent or disrupted protein product. Loss-of-function variants in AHI1 are known to be pathogenic (PMID: 15322546, 16453322, 28442542, 29186038). This variant is present in population databases (rs774628957, gnomAD 0.006%). This variant has not been reported in the literature in individuals affected with AHI1-related conditions. ClinVar contains an entry for this variant (Variation ID: 1322964). For these reasons, this variant has been classified as Pathogenic.

First Genomix Gene Laboratory, Genetic Diagnostics Department
Classification: Likely pathogenic for Joubert syndrome 3. Last evaluated: 2025-03-14. Review status: criteria provided, single submitter. Criteria: ACMG Guidelines, 2015. Collection method: clinical testing. Allele origin: germline. Inheritance: Autosomal recessive inheritance. Affected: no. Observed: 1 variant allele.

Myriad Genetics, Inc.
Classification: Pathogenic for Joubert syndrome 3. Last evaluated: 2025-02-26. Review status: criteria provided, single submitter. Criteria: Myriad Autosomal Dominant, Autosomal Recessive and X-Linked Classification Criteria (2023). Collection method: clinical testing. Allele origin: unknown.
Comment: NM_001134831.1(AHI1):c.313C>T(Q105*) is expected to be pathogenic in the context of Joubert syndrome, AHI1-related. This variant is predicted to lead to an abnormal or absent protein product due to the creation of a premature termination codon in AHI1, a gene where loss-of-function variants are known to be pathogenic. Please note: this variant was assessed in the context of healthy population screening.

Fulgent Genetics
Classification: Likely pathogenic for Joubert syndrome 3. Last evaluated: 2024-05-02. Review status: criteria provided, single submitter. Criteria: ACMG Guidelines, 2015. Collection method: clinical testing. Allele origin: germline.

Revvity Omics, Revvity
Classification: Pathogenic for Joubert syndrome 3. Last evaluated: 2020-06-29. Review status: criteria provided, single submitter. Criteria: ACMG Guidelines, 2015. Collection method: clinical testing. Allele origin: germline.

Blueprint Genetics
Classification: Likely pathogenic for AHI1-related disorders. Last evaluated: 2018-11-09. Review status: criteria provided, single submitter. Criteria: ACMG Guidelines, 2015. Collection method: clinical testing. Allele origin: germline. Affected: yes. Observed: 3 variant alleles.

Literature cited by the submitters: PubMed 15322546 (cited by Labcorp Genetics (formerly Invitae), Labcorp); PubMed 16453322 (cited by Labcorp Genetics (formerly Invitae), Labcorp); PubMed 28442542 (cited by Labcorp Genetics (formerly Invitae), Labcorp); PubMed 29186038 (cited by Labcorp Genetics (formerly Invitae), Labcorp).

NM_001134831.2(AHI1):c.313C>T (p.Gln105Ter)

Gene: AHI1 (Abelson helper integration site 1; minus strand). Cytogenetic location: 6q23.3.
Variant type: single nucleotide variant.
Coding change: c.313C>T on transcript NM_001134831.2 (MANE Select); coding-DNA position 313, C replaced by T.
Protein change: p.Gln105Ter; replaces glutamine 105 with a stop codon.
Molecular consequence: nonsense.
Genome position (GRCh38, 1-based): chr6:135,466,250, G>A on the plus strand (C>T on the coding strand, the complement: AHI1 is on the minus strand). VCF-style: chr6-135466250-G-A. GRCh37 (hg19) VCF-style: chr6-135787388-G-A.
Other names: c.313C>T, p.Gln105Ter (NM_001134830.2, NM_001134832.2, NM_001350503.2 and 2 more transcripts); short protein forms Q105*.
Identifiers: ClinVar variation 1322964 (VCV001322964.9), dbSNP rs774628957, ClinGen allele CA4012852.